The following is an entry in ClinVar:

NM_014989.7(RIMS1):c.2290C>A (p.Leu764Met)

Gene: RIMS1 (regulating synaptic membrane exocytosis 1; plus strand). Cytogenetic location: 6q13.
Variant type: single nucleotide variant.
Coding change: c.2290C>A on transcript NM_014989.7 (MANE Select); coding-DNA position 2290, C replaced by A.
Protein change: p.Leu764Met; replaces leucine 764 with methionine.
Molecular consequence: missense variant.
Genome position (GRCh38, 1-based): chr6:72,250,378, C>A. VCF-style: chr6-72250378-C-A. GRCh37 (hg19) VCF-style: chr6-72960081-C-A.
Other names: c.712C>A, p.Leu238Met (NM_001350422.2, NM_001350423.2, NM_001350425.2 and 37 more transcripts); c.643C>A, p.Leu215Met (NM_001350424.2, NM_001350428.2, NM_001350430.2 and 6 more transcripts); c.469C>A, p.Leu157Met (NM_001350463.2, NM_001350464.2, NM_001350465.2 and 6 more transcripts); c.667C>A, p.Leu223Met (NM_001350470.2, NM_001168410.2, NM_001350472.2 and 2 more transcripts); short protein forms L157M, L764M, L215M, L223M, L238M.
Identifiers: ClinVar variation 3667728 (VCV003667728.2).
Genomic context (GRCh38, chr6:72,250,378, plus strand): 5'-CATTGCTCCTAGGTGAAGTTGTGGTATGATAAAGTGGGACACCAGCTGATTGTAAATGTT[C>A]TGCAAGCAACAGATCTACCTGCTAGAGTAGATGGACGTCCTCGAAATCCCTATGTAAAAA-3'
Protein context (NP_055804.2, residues 754-774): KVGHQLIVNV[Leu764Met]QATDLPARVD

ClinVar aggregate classification (germline): Uncertain significance (1 of 4 stars; one submission).

gnomAD v4.1: 21 of 1,609,696 alleles (0.0013%); highest among the groups gnomAD compares: Non-Finnish European, 0.0018%; no homozygotes.

Submission:

Labcorp Genetics (formerly Invitae), Labcorp
Classification: Uncertain significance. Last evaluated: 2025-01-08. Review status: criteria provided, single submitter. Criteria: Invitae Variant Classification Sherloc (09022015). Collection method: clinical testing. Allele origin: germline.
Comment: This sequence change replaces leucine, which is neutral and non-polar, with methionine, which is neutral and non-polar, at codon 764 of the RIMS1 protein (p.Leu764Met). This variant is present in population databases (no rsID available, gnomAD 0.0009%). This variant has not been reported in the literature in individuals affected with RIMS1-related conditions. An algorithm developed to predict the effect of missense changes on protein structure and function (PolyPhen-2) suggests that this variant is likely to be disruptive. In summary, the available evidence is currently insufficient to determine the role of this variant in disease. Therefore, it has been classified as a Variant of Uncertain Significance.